The following is an entry in ClinVar:

NM_001273.5(CHD4):c.5276C>T (p.Ala1759Val)

Genes: CHD4 (chromodomain helicase DNA binding protein 4; minus strand), CHD4-AS1 (CHD4 antisense RNA 1; plus strand). Cytogenetic location: 12p13.31.
Variant type: single nucleotide variant.
Coding change: c.5276C>T on transcript NM_001273.5 (MANE Select); coding-DNA position 5276, C replaced by T.
Protein change: p.Ala1759Val; replaces alanine 1759 with valine.
Molecular consequence: missense variant.
Genome position (GRCh38, 1-based): chr12:6,577,870, G>A on the plus strand (C>T on the coding strand, the complement: CHD4 is on the minus strand). VCF-style: chr12-6577870-G-A. GRCh37 (hg19) VCF-style: chr12-6687036-G-A.
Other names: c.5255C>T, p.Ala1752Val (NM_001297553.2); c.5243C>T, p.Ala1748Val (NM_001363606.2); short protein forms A1748V, A1752V, A1759V.
Identifiers: ClinVar variation 2571730 (VCV002571730.2), dbSNP rs2540371042, ClinGen allele CA383564798.

ClinVar aggregate classification (germline): Uncertain significance (1 of 4 stars; one submission).

Submission:

GeneDx
Classification: Uncertain significance. Last evaluated: 2023-11-25. Review status: criteria provided, single submitter. Criteria: GeneDx Variant Classification Process June 2021. Collection method: clinical testing. Allele origin: germline. Affected: yes.
Comment: Not observed at significant frequency in large population cohorts (gnomAD); In silico analysis supports that this missense variant does not alter protein structure/function; Has not been previously published as pathogenic or benign to our knowledge